The following is an entry in ClinVar:

ClinVar aggregate classification (germline): Benign/Likely benign. Review status: criteria provided, multiple submitters, no conflicts (2 of 4 stars). 26 submissions from 19 submitters: Benign (17); Likely benign (4). 5 of the submissions do not count toward it. Last evaluated 2026-02-03.

Conditions:
Cardiovascular phenotype. Identifiers: MedGen CN230736.
Dilated cardiomyopathy 1G (CMD1G). Identifiers: Orphanet 154, MedGen C1858763, MONDO:0011400, OMIM 604145.
Autosomal recessive limb-girdle muscular dystrophy type 2J (LGMDR10). Also called: MUSCULAR DYSTROPHY, LIMB-GIRDLE, AUTOSOMAL RECESSIVE 10; Limb-girdle muscular dystrophy, type 2J. Identifiers: Orphanet 140922, MedGen C1837342, MONDO:0012127, OMIM 608807.
Cardiomyopathy (CMYO). Also called: Cardiomyopathies. Identifiers: Orphanet 167848, MedGen C0878544, MONDO:0004994, HP:0001638. Inheritance: Various modes of inheritance.
Myopathy, myofibrillar, 9, with early respiratory failure (MFM9). Also called: Myopathy, distal, with early respiratory failure, autosomal dominant; Hereditary myopathy with early respiratory failure; MYOPATHY, PROXIMAL, WITH EARLY RESPIRATORY MUSCLE INVOLVEMENT; EDSTROM MYOPATHY. Identifiers: Orphanet 178464, Orphanet 34521, MedGen C1863599, MONDO:0011362, OMIM 603689.
Early-onset myopathy with fatal cardiomyopathy (CMYO5). Also called: CONGENITAL MYOPATHY 5 WITH CARDIOMYOPATHY; Salih Myopathy. Identifiers: Orphanet 289377, MedGen C2673677, MONDO:0012714, OMIM 611705. Disease mechanism: loss of function.
Tibial muscular dystrophy (TMD). Also called: Udd Distal Myopathy – Tibial Muscular Dystrophy; Tibial muscular dystrophy, tardive; UDD MYOPATHY. Identifiers: Orphanet 609, MedGen C1838244, MONDO:0010870, OMIM 600334.

Allele frequency attached by ClinVar (database versions not stated): ESP Exome Variant Server 0.00146; gnomAD exomes 0.00360 and 0.00216; gnomAD 0.00108 and 0.00181; ExAC 0.00411; 1000 Genomes Project 30x 0.00593; 1000 Genomes Project 0.00599; TOPMed 0.00105.
gnomAD v4.1: 3,474 of 1,610,798 alleles (0.22%); highest among the groups gnomAD compares: South Asian, 2.1%; 51 homozygotes.

Submissions (26):

Labcorp Genetics (formerly Invitae), Labcorp
Classification: Benign for Dilated cardiomyopathy 1G; Autosomal recessive limb-girdle muscular dystrophy type 2J. Last evaluated: 2026-02-03. Review status: criteria provided, single submitter. Criteria: Invitae Variant Classification Sherloc (09022015). Collection method: clinical testing. Allele origin: germline.

ARUP Laboratories, Molecular Genetics and Genomics, ARUP Laboratories
Classification: Benign. Last evaluated: 2025-06-23. Review status: criteria provided, single submitter. Criteria: ARUP Molecular Germline Variant Investigation Process 2024. Collection method: clinical testing. Allele origin: germline.

Molecular Diagnostic Laboratory for Inherited Cardiovascular Disease, Montreal Heart Institute
Classification: Benign. Last evaluated: 2025-04-09. Review status: criteria provided, single submitter. Criteria: ACMG Guidelines, 2015. Collection method: clinical testing. Allele origin: germline. Affected: no.

Athena Diagnostics
Classification: Benign. Last evaluated: 2025-01-21. Review status: criteria provided, single submitter. Criteria: Athena Diagnostics Criteria. Collection method: clinical testing. Allele origin: unknown.
Comment: The frequency of this variant in the general population is higher than would generally be expected for pathogenic variants in this gene. Computational tools yielded predictions that this variant is unlikely to have an effect on normal RNA splicing. This nucleotide position exhibits low evolutionary conservation.

Mayo Clinic Laboratories, Mayo Clinic
Classification: Benign. Last evaluated: 2023-06-16. Review status: criteria provided, single submitter. Criteria: ACMG Guidelines, 2015. Collection method: clinical testing. Allele origin: germline. Observed: 8 variant alleles.
Comment: BS1, BS2

CHEO Genetics Diagnostic Laboratory, Children's Hospital of Eastern Ontario
Classification: Benign for Cardiomyopathy. Last evaluated: 2022-11-18. Review status: criteria provided, single submitter. Criteria: ACMG Guidelines, 2015. Collection method: clinical testing. Allele origin: germline.

Genome-Nilou Lab
Classification: Benign for Autosomal recessive limb-girdle muscular dystrophy type 2J. Last evaluated: 2021-09-10. Review status: criteria provided, single submitter. Criteria: ACMG Guidelines, 2015. Collection method: clinical testing. Allele origin: germline. Affected: no.

Genome-Nilou Lab
Classification: Benign for Myopathy, myofibrillar, 9, with early respiratory failure. Last evaluated: 2021-09-10. Review status: criteria provided, single submitter. Criteria: ACMG Guidelines, 2015. Collection method: clinical testing. Allele origin: germline. Affected: no.

Genome-Nilou Lab
Classification: Benign for Early-onset myopathy with fatal cardiomyopathy. Last evaluated: 2021-09-10. Review status: criteria provided, single submitter. Criteria: ACMG Guidelines, 2015. Collection method: clinical testing. Allele origin: germline. Affected: no.

Genome-Nilou Lab
Classification: Benign for Tibial muscular dystrophy. Last evaluated: 2021-09-10. Review status: criteria provided, single submitter. Criteria: ACMG Guidelines, 2015. Collection method: clinical testing. Allele origin: germline. Affected: no.

Women's Health and Genetics/Laboratory Corporation of America, LabCorp
Classification: Benign. Last evaluated: 2020-01-06. Review status: criteria provided, single submitter. Criteria: LabCorp Variant Classification Summary - May 2015. Collection method: clinical testing. Allele origin: germline.

Illumina Laboratory Services, Illumina
Classification: Benign for Myopathy, myofibrillar, 9, with early respiratory failure. Last evaluated: 2018-01-12. Review status: criteria provided, single submitter. Criteria: ICSL Variant Classification Criteria 13 December 2019. Collection method: clinical testing. Allele origin: germline.
Comment: This variant was observed in the ICSL laboratory as part of a predisposition screen in an ostensibly healthy population. It had not been previously curated by ICSL or reported in the Human Gene Mutation Database (HGMD: prior to June 1st, 2018), and was therefore a candidate for classification through an automated scoring system. Utilizing variant allele frequency, disease prevalence and penetrance estimates, and inheritance mode, an automated score was calculated to assess if this variant is too frequent to cause the disease. Based on the score and internal cut-off values, a variant classified as benign is not then subjected to further curation. The score for this variant resulted in a classification of benign for this disease.

Illumina Laboratory Services, Illumina
Classification: Likely benign for Early-onset myopathy with fatal cardiomyopathy. Last evaluated: 2018-01-12. Review status: criteria provided, single submitter. Criteria: ICSL Variant Classification Criteria 13 December 2019. Collection method: clinical testing. Allele origin: germline.
Comment: This variant was observed in the ICSL laboratory as part of a predisposition screen in an ostensibly healthy population. It had not been previously curated by ICSL or reported in the Human Gene Mutation Database (HGMD: prior to June 1st, 2018), and was therefore a candidate for classification through an automated scoring system. Utilizing variant allele frequency, disease prevalence and penetrance estimates, and inheritance mode, an automated score was calculated to assess if this variant is too frequent to cause the disease. Based on the score and internal cut-off values, a variant classified as likely benign is not then subjected to further curation. The score for this variant resulted in a classification of likely benign for this disease.

Illumina Laboratory Services, Illumina
Classification: Benign for Tibial muscular dystrophy. Last evaluated: 2018-01-12. Review status: criteria provided, single submitter. Criteria: ICSL Variant Classification Criteria 13 December 2019. Collection method: clinical testing. Allele origin: germline.
Comment: the same text as in the submission from Illumina Laboratory Services, Illumina above.

Illumina Laboratory Services, Illumina
Classification: Likely benign for Autosomal recessive limb-girdle muscular dystrophy type 2J. Last evaluated: 2018-01-12. Review status: criteria provided, single submitter. Criteria: ICSL Variant Classification Criteria 13 December 2019. Collection method: clinical testing. Allele origin: germline.
Comment: the same text as in the submission from Illumina Laboratory Services, Illumina above.

Illumina Laboratory Services, Illumina
Classification: Likely benign for Dilated cardiomyopathy 1G. Last evaluated: 2018-01-12. Review status: criteria provided, single submitter. Criteria: ICSL Variant Classification Criteria 13 December 2019. Collection method: clinical testing. Allele origin: germline.
Comment: the same text as in the submission from Illumina Laboratory Services, Illumina above.

Ambry Genetics
Classification: Benign for Cardiovascular phenotype. Last evaluated: 2016-01-06. Review status: criteria provided, single submitter. Criteria: Ambry Variant Classification Scheme 2023. Collection method: clinical testing. Allele origin: germline.

Eurofins Ntd Llc (ga)
Classification: Benign. Last evaluated: 2015-09-03. Review status: criteria provided, single submitter. Criteria: EGL Classification Definitions 2015. Collection method: clinical testing. Allele origin: germline. Observed: 1 variant allele, 1 heterozygote.

Laboratory for Molecular Medicine, Mass General Brigham Personalized Medicine
Classification: Benign. Last evaluated: 2015-04-28. Review status: criteria provided, single submitter. Criteria: LMM Criteria. Collection method: clinical testing. Allele origin: germline. Observed: 14 variant alleles.
Comment: p.Thr29148Thr in exon 292 of TTN: This variant is not expected to have clinical significance because it has been identified in 2.4% (354/14530) of South Asian c hromosomes, including 7 homozygotes, by the Exome Aggregation Consortium (ExAC; dbSNP rs140663434).

GeneDx
Classification: Benign. Last evaluated: 2012-12-19. Review status: criteria provided, single submitter. Criteria: GeneDx Variant Classification (06012015). Collection method: clinical testing. Allele origin: germline. Affected: yes.
Comment: This variant is considered likely benign or benign based on one or more of the following criteria: it is a conservative change, it occurs at a poorly conserved position in the protein, it is predicted to be benign by multiple in silico algorithms, and/or has population frequency not consistent with disease.

Breakthrough Genomics
Classification: Likely benign. Review status: criteria provided, single submitter. Criteria: ACMG Guidelines, 2015. Collection method: not provided. Allele origin: germline. Inheritance: Autosomal recessive inheritance. Affected: yes.

Clinical Genetics DNA and cytogenetics Diagnostics Lab, Erasmus MC, Erasmus Medical Center
Classification: Likely benign. Review status: no assertion criteria provided. Collection method: clinical testing. Allele origin: germline. Affected: yes. Study: VKGL Data-share Consensus. Not counted in ClinVar's aggregate classification.

Clinical Genetics, Academic Medical Center
Classification: Benign. Review status: no assertion criteria provided. Collection method: clinical testing. Allele origin: germline. Affected: yes. Study: VKGL Data-share Consensus. Not counted in ClinVar's aggregate classification.

Diagnostic Laboratory, Department of Genetics, University Medical Center Groningen
Classification: Likely benign. Review status: no assertion criteria provided. Collection method: clinical testing. Allele origin: germline. Affected: yes. Study: VKGL Data-share Consensus. Not counted in ClinVar's aggregate classification.

Joint Genome Diagnostic Labs from Nijmegen and Maastricht, Radboudumc and MUMC+
Classification: Benign. Review status: no assertion criteria provided. Collection method: clinical testing. Allele origin: germline. Affected: yes. Study: VKGL Data-share Consensus. Not counted in ClinVar's aggregate classification.

Laboratory of Diagnostic Genome Analysis, Leiden University Medical Center (LUMC)
Classification: Likely benign. Review status: no assertion criteria provided. Collection method: clinical testing. Allele origin: germline. Affected: yes. Study: VKGL Data-share Consensus. Not counted in ClinVar's aggregate classification.

Literature cited by the submitters: PubMed 24636144 (cited by Athena Diagnostics); PubMed 24444549 (cited by Athena Diagnostics); PubMed 25500009 (cited by Athena Diagnostics).

NM_001267550.2(TTN):c.95148C>T (p.Thr31716=)

Genes: TTN (titin; minus strand), TTN-AS1 (TTN antisense RNA 1; plus strand). Cytogenetic location: 2q31.2.
Variant type: single nucleotide variant.
Coding change: c.95148C>T on transcript NM_001267550.2 (MANE Select); coding-DNA position 95148, C replaced by T.
Protein change: p.Thr31716=; no amino-acid change (threonine 31716 retained).
Molecular consequence: synonymous variant.
Genome position (GRCh38, 1-based): chr2:178,546,088, G>A on the plus strand (C>T on the coding strand, the complement: TTN is on the minus strand). VCF-style: chr2-178546088-G-A. GRCh37 (hg19) VCF-style: chr2-179410815-G-A.
Other names: p.T30075T:ACC>ACT; p.Thr30075=; c.90225C>T, p.Thr30075= (NM_001256850.1); c.67953C>T, p.Thr22651= (NM_003319.4); c.87444C>T, p.Thr29148= (NM_133378.4); c.68328C>T, p.Thr22776= (NM_133432.3); c.68529C>T, p.Thr22843= (NM_133437.4).
Identifiers: ClinVar variation 47550 (VCV000047550.50), dbSNP rs140663434, ClinGen allele CA284105.